The following is an entry in ClinVar:

NM_022835.3(PLEKHG2):c.1436G>A (p.Arg479His)

Gene: PLEKHG2 (pleckstrin homology and RhoGEF domain containing G2; plus strand). Cytogenetic location: 19q13.2.
Variant type: single nucleotide variant.
Coding change: c.1436G>A on transcript NM_022835.3 (MANE Select); coding-DNA position 1436, G replaced by A.
Protein change: p.Arg479His; replaces arginine 479 with histidine.
Molecular consequence: missense variant.
Genome position (GRCh38, 1-based): chr19:39,420,985, G>A. VCF-style: chr19-39420985-G-A. GRCh37 (hg19) VCF-style: chr19-39911625-G-A.
Other names: c.1259G>A, p.Arg420His (NM_001351693.2); c.1436G>A, p.Arg479His (NM_001351694.2); short protein forms R420H, R479H.
Identifiers: ClinVar variation 2078533 (VCV002078533.6), dbSNP rs184059866, ClinGen allele CA9429509.
Genomic context (GRCh38, chr19:39,420,985, plus strand): 5'-GGGCTCTGGCCCTCCCTCCCACAGCTCCATCTCCTGGGCCCTCTGTGATTCGCCGAGGCC[G>A]CAGGCAGTCTGGTGAGCACTCACCCCTAAGGGTGATCCAGGCATCGGGGTGGGAGCTGGG-3'
Protein context (NP_073746.2, residues 469-489): SPGPSVIRRG[Arg479His]RQSEPVKDPY

ClinVar aggregate classification (germline): Uncertain significance. Review status: criteria provided, multiple submitters, no conflicts (2 of 4 stars). 3 submissions from 3 submitters: Uncertain significance (3). Last evaluated 2026-02-05.

Allele frequency attached by ClinVar (database versions not stated): gnomAD 0.00005; TOPMed 0.00006; 1000 Genomes Project 30x 0.00016; 1000 Genomes Project 0.00020.
gnomAD v4.1: 63 of 1,613,940 alleles (0.0039%); highest among the groups gnomAD compares: Admixed American, 0.047%; no homozygotes.

Submissions (3):

GeneDx
Classification: Uncertain significance. Last evaluated: 2026-02-05. Review status: criteria provided, single submitter. Criteria: GeneDx Variant Classification Process June 2021. Collection method: clinical testing. Allele origin: germline.
Comment: In silico analysis supports that this missense variant has a deleterious effect on protein structure/function; Has not been previously published as pathogenic or benign to our knowledge

Labcorp Genetics (formerly Invitae), Labcorp
Classification: Uncertain significance. Last evaluated: 2023-12-11. Review status: criteria provided, single submitter. Criteria: Invitae Variant Classification Sherloc (09022015). Collection method: clinical testing. Allele origin: germline.
Comment: This sequence change replaces arginine, which is basic and polar, with histidine, which is basic and polar, at codon 479 of the PLEKHG2 protein (p.Arg479His). This variant is present in population databases (rs184059866, gnomAD 0.05%). This variant has not been reported in the literature in individuals affected with PLEKHG2-related conditions. ClinVar contains an entry for this variant (Variation ID: 2078533). An algorithm developed to predict the effect of missense changes on protein structure and function (PolyPhen-2) suggests that this variant is likely to be disruptive. In summary, the available evidence is currently insufficient to determine the role of this variant in disease. Therefore, it has been classified as a Variant of Uncertain Significance.

Ambry Genetics
Classification: Uncertain significance. Last evaluated: 2021-08-23. Review status: criteria provided, single submitter. Criteria: Ambry Variant Classification Scheme 2023. Collection method: clinical testing. Allele origin: germline.